The following is an entry in ClinVar:

NM_005359.6(SMAD4):c.249+3T>C

Gene: SMAD4 (SMAD family member 4; plus strand). Cytogenetic location: 18q21.2.
Variant type: single nucleotide variant.
Coding change: c.249+3T>C on transcript NM_005359.6 (MANE Select); 3 bases into the intron after coding-DNA position 249, T replaced by C.
Molecular consequence: intron variant.
Genome position (GRCh38, 1-based): chr18:51,047,298, T>C. VCF-style: chr18-51047298-T-C. GRCh37 (hg19) VCF-style: chr18-48573668-T-C.
Other names: c.249+3T>C (NM_001407042.1, NM_001407041.1, NM_001407043.1).
Identifiers: ClinVar variation 3238407 (VCV003238407.1), dbSNP rs2511368110.

ClinVar aggregate classification (germline): Uncertain significance (1 of 4 stars; one submission).

Conditions:
Hereditary cancer-predisposing syndrome. Also called: Neoplastic Syndromes, Hereditary; Tumor predisposition; Hereditary neoplastic syndrome; Hereditary Cancer Syndrome. Identifiers: Orphanet 140162, MedGen C0027672, MeSH D009386, MONDO:0015356.
Familial thoracic aortic aneurysm and aortic dissection (TAAD). Also called: Thoracic aortic aneurysms and dissections. Identifiers: Orphanet 91387, MedGen C4707243, MONDO:0019625.

Submission:

Ambry Genetics
Classification: Uncertain significance for Hereditary cancer-predisposing syndrome; Familial thoracic aortic aneurysm and aortic dissection. Last evaluated: 2023-08-10. Review status: criteria provided, single submitter. Criteria: Ambry Variant Classification Scheme 2023. Collection method: clinical testing. Allele origin: germline.
Comment: The c.249+3T>C intronic variant results from a T to C substitution 3 nucleotides after coding exon 1 in the SMAD4 gene. This nucleotide position is not well conserved in available vertebrate species. In silico splice site analysis predicts that this alteration will not have any significant effect on splicing. Since supporting evidence is limited at this time, the clinical significance of this alteration remains unclear.